The following is an entry in ClinVar:

NM_004408.4(DNM1):c.1072G>T (p.Gly358Trp)

Gene: DNM1 (dynamin 1; plus strand). Cytogenetic location: 9q34.11.
Variant type: single nucleotide variant.
Coding change: c.1072G>T on transcript NM_004408.4 (MANE Select); coding-DNA position 1072, G replaced by T.
Protein change: p.Gly358Trp; replaces glycine 358 with tryptophan.
Molecular consequence: missense variant.
Genome position (GRCh38, 1-based): chr9:128,222,540, G>T. VCF-style: chr9-128222540-G-T. GRCh37 (hg19) VCF-style: chr9-130984819-G-T.
Other names: c.1072G>T, p.Gly358Trp (NM_001005336.3, NM_001288737.2, NM_001288738.2 and 1 more transcripts); short protein forms G358W.
Identifiers: ClinVar variation 420978 (VCV000420978.2), dbSNP rs1064794828, ClinGen allele CA16618754.

ClinVar aggregate classification (germline): Likely pathogenic (1 of 4 stars; one submission).

Submission:

GeneDx
Classification: Likely pathogenic. Last evaluated: 2016-11-23. Review status: criteria provided, single submitter. Criteria: GeneDx Variant Classification (06012015). Collection method: clinical testing. Allele origin: germline. Affected: yes.
Comment: The G358W variant in the DNM1 gene has not been reported previously as a pathogenic variant, nor as a benign variant, to our knowledge. The G358W variant was not observed in approximately 6,500 individuals of European and African American ancestry in the NHLBI Exome Sequencing Project, indicating it is not a common benign variant in these populations. The G358W variant is a semi-conservative amino acid substitution, which may impact secondary protein structure as these residues differ in some properties. This substitution occurs at a position that is conserved across species, and in silico analysis predicts this variant is probably damaging to the protein structure/function. We interpret G358W as a likely pathogenic variant